The following is an entry in ClinVar:

NM_003500.4(ACOX2):c.1487C>T (p.Pro496Leu)

Gene: ACOX2 (acyl-CoA oxidase 2; minus strand). Cytogenetic location: 3p14.3.
Variant type: single nucleotide variant.
Coding change: c.1487C>T on transcript NM_003500.4 (MANE Select); coding-DNA position 1487, C replaced by T.
Protein change: p.Pro496Leu; replaces proline 496 with leucine.
Molecular consequence: missense variant.
Genome position (GRCh38, 1-based): chr3:58,524,465, G>A on the plus strand (C>T on the coding strand, the complement: ACOX2 is on the minus strand). VCF-style: chr3-58524465-G-A. GRCh37 (hg19) VCF-style: chr3-58510192-G-A.
Other names: short protein forms P496L.
Identifiers: ClinVar variation 3138227 (VCV003138227.3), dbSNP rs748955764, ClinGen allele CA2472055.

ClinVar aggregate classification (germline): Uncertain significance. Review status: criteria provided, multiple submitters, no conflicts (2 of 4 stars). 2 submissions from 2 submitters: Uncertain significance (2). Last evaluated 2024-12-12.

Allele frequency attached by ClinVar (database versions not stated): gnomAD 0.00002.
gnomAD v4.1: 14 of 1,612,962 alleles (0.00087%); highest among the groups gnomAD compares: African/African-American, 0.0027%; no homozygotes.

Submissions (2):

Labcorp Genetics (formerly Invitae), Labcorp
Classification: Uncertain significance. Last evaluated: 2024-12-12. Review status: criteria provided, single submitter. Criteria: Invitae Variant Classification Sherloc (09022015). Collection method: clinical testing. Allele origin: germline.
Comment: This sequence change replaces proline, which is neutral and non-polar, with leucine, which is neutral and non-polar, at codon 496 of the ACOX2 protein (p.Pro496Leu). This variant is present in population databases (rs748955764, gnomAD 0.003%). This variant has not been reported in the literature in individuals affected with ACOX2-related conditions. ClinVar contains an entry for this variant (Variation ID: 3138227). Invitae Evidence Modeling of protein sequence and biophysical properties (such as structural, functional, and spatial information, amino acid conservation, physicochemical variation, residue mobility, and thermodynamic stability) indicates that this missense variant is not expected to disrupt ACOX2 protein function with a negative predictive value of 80%. In summary, the available evidence is currently insufficient to determine the role of this variant in disease. Therefore, it has been classified as a Variant of Uncertain Significance.

Ambry Genetics
Classification: Uncertain significance. Last evaluated: 2023-12-08. Review status: criteria provided, single submitter. Criteria: Ambry Variant Classification Scheme 2023. Collection method: clinical testing. Allele origin: germline.